The following is an entry in ClinVar:

NM_145294.5(WDR90):c.687G>T (p.Leu229Phe)

Gene: WDR90 (WD repeat domain 90; plus strand). Cytogenetic location: 16p13.3.
Variant type: single nucleotide variant.
Coding change: c.687G>T on transcript NM_145294.5 (MANE Select); coding-DNA position 687, G replaced by T.
Protein change: p.Leu229Phe; replaces leucine 229 with phenylalanine.
Molecular consequence: missense variant.
Genome position (GRCh38, 1-based): chr16:651,217, G>T. VCF-style: chr16-651217-G-T. GRCh37 (hg19) VCF-style: chr16-701217-G-T.
Other names: short protein forms L229F.
Identifiers: ClinVar variation 2645836 (VCV002645836.24), dbSNP rs147330697, ClinGen allele CA7782524.

ClinVar aggregate classification (germline): Likely benign (1 of 4 stars; one submission).

Allele frequency attached by ClinVar (database versions not stated): 1000 Genomes Project 30x 0.00156; 1000 Genomes Project 0.00200; ESP Exome Variant Server 0.00368; gnomAD 0.00384; TOPMed 0.00391.
gnomAD v4.1: 9,775 of 1,613,174 alleles (0.61%); highest among the groups gnomAD compares: Non-Finnish European, 0.74%; 43 homozygotes.

Submission:

CeGaT Center for Human Genetics Tuebingen
Classification: Likely benign. Last evaluated: 2023-03-01. Review status: criteria provided, single submitter. Criteria: CeGaT Center For Human Genetics Tuebingen Variant Classification Criteria Version 2. Collection method: clinical testing. Allele origin: germline. Affected: yes. Observed: 2 variant alleles.
Comment: WDR90: BP4, BS2